The following is an entry in ClinVar:

ClinVar aggregate classification (germline): Uncertain significance (1 of 4 stars; one submission).

Conditions:
Autosomal dominant nocturnal frontal lobe epilepsy 5. Also called: CILIARY DYSKINESIA, PRIMARY, 28, WITHOUT SITUS INVERSUS; CILIARY DYSKINESIA, PRIMARY, 28, WITH SITUS INVERSUS; KCNT1-Related Epilepsy; Epilepsy, nocturnal frontal lobe, 5. Identifiers: Orphanet 98784, MedGen C3554306, MONDO:0014002, OMIM 615005.
Developmental and epileptic encephalopathy, 14 (DEE14). Also called: Early infantile epileptic encephalopathy 14. Identifiers: Orphanet 293181, MedGen C3554195, MONDO:0013989, OMIM 614959.

Submission:

Labcorp Genetics (formerly Invitae), Labcorp
Classification: Uncertain significance for Autosomal dominant nocturnal frontal lobe epilepsy 5; Developmental and epileptic encephalopathy, 14. Last evaluated: 2025-04-27. Review status: criteria provided, single submitter. Criteria: Invitae Variant Classification Sherloc (09022015). Collection method: clinical testing. Allele origin: germline.
Comment: This sequence change replaces glutamic acid, which is acidic and polar, with lysine, which is basic and polar, at codon 461 of the KCNT1 protein (p.Glu461Lys). This variant is present in population databases (no rsID available, gnomAD 0.01%). This variant has not been reported in the literature in individuals affected with KCNT1-related conditions. Invitae Evidence Modeling of protein sequence and biophysical properties (such as structural, functional, and spatial information, amino acid conservation, physicochemical variation, residue mobility, and thermodynamic stability) has been performed for this missense variant. However, the output from this modeling did not meet the statistical confidence thresholds required to predict the impact of this variant on KCNT1 protein function. In summary, the available evidence is currently insufficient to determine the role of this variant in disease. Therefore, it has been classified as a Variant of Uncertain Significance.

NM_020822.3(KCNT1):c.1381G>A (p.Glu461Lys)

Gene: KCNT1 (potassium sodium-activated channel subfamily T member 1; plus strand). Cytogenetic location: 9q34.3.
Variant type: single nucleotide variant.
Coding change: c.1381G>A on transcript NM_020822.3 (MANE Select); coding-DNA position 1381, G replaced by A.
Protein change: p.Glu461Lys; replaces glutamic acid 461 with lysine.
Molecular consequence: missense variant.
Genome position (GRCh38, 1-based): chr9:135,768,653, G>A. VCF-style: chr9-135768653-G-A. GRCh37 (hg19) VCF-style: chr9-138660499-G-A.
Other names: c.1246G>A, p.Glu416Lys (NM_001272003.2); short protein forms E461K, E416K.
Identifiers: ClinVar variation 4788783 (VCV004788783.1).